The following is an entry in ClinVar:

ClinVar aggregate classification (germline): Uncertain significance (1 of 4 stars; one submission).

Allele frequency attached by ClinVar (database versions not stated): gnomAD exomes 0.00001; TOPMed 0.00001.
gnomAD v4.1: 16 of 1,611,438 alleles (0.00099%); highest among the groups gnomAD compares: Non-Finnish European, 0.0013%; no homozygotes.

Submission:

GeneDx
Classification: Uncertain significance. Last evaluated: 2022-01-11. Review status: criteria provided, single submitter. Criteria: GeneDx Variant Classification Process June 2021. Collection method: clinical testing. Allele origin: germline. Affected: yes.
Comment: Not observed at significant frequency in large population cohorts (gnomAD); In silico analysis supports that this missense variant has a deleterious effect on protein structure/function; Has not been previously published as pathogenic or benign to our knowledge

NM_001170629.2(CHD8):c.3205T>G (p.Phe1069Val)

Gene: CHD8 (chromodomain helicase DNA binding protein 8; minus strand). Cytogenetic location: 14q11.2.
Variant type: single nucleotide variant.
Coding change: c.3205T>G on transcript NM_001170629.2 (MANE Select); coding-DNA position 3205, T replaced by G.
Protein change: p.Phe1069Val; replaces phenylalanine 1069 with valine.
Molecular consequence: missense variant.
Genome position (GRCh38, 1-based): chr14:21,405,311, A>C on the plus strand (T>G on the coding strand, the complement: CHD8 is on the minus strand). VCF-style: chr14-21405311-A-C. GRCh37 (hg19) VCF-style: chr14-21873470-A-C.
Other names: c.2368T>G, p.Phe790Val (NM_020920.4); short protein forms F1069V, F790V.
Identifiers: ClinVar variation 1695795 (VCV001695795.2), dbSNP rs1284737987, ClinGen allele CA388902205.
Genomic context (GRCh38, chr14:21,405,311, plus strand): 5'-TCATTGTGTTAAGTAGATTAGGCATGTTGGTATGACCTGCCCCTTTGGAAAGGAAGGAGA[A>C]ATTCTTCTCCAAAATAGCCCGATAGTATTTCTTCTGGATATTAGTCAGCTCTACTTCAAT-3'
Protein context (NP_001164100.1, residues 1059-1079): KYYRAILEKN[Phe1069Val]SFLSKGAGHT